The following is an entry in ClinVar:

ClinVar aggregate classification (germline): Pathogenic/Likely pathogenic. Review status: criteria provided, multiple submitters, no conflicts (2 of 4 stars). 2 submissions from 2 submitters: Pathogenic (1); Likely pathogenic (1). Last evaluated 2024-05-27.

Conditions:
Joubert syndrome 21 (JBTS21). Identifiers: MedGen C3810212, MONDO:0014288, OMIM 615636.

Submissions (2):

Labcorp Genetics (formerly Invitae), Labcorp
Classification: Pathogenic for Joubert syndrome 21. Last evaluated: 2024-05-27. Review status: criteria provided, single submitter. Criteria: Invitae Variant Classification Sherloc (09022015). Collection method: clinical testing. Allele origin: germline.
Comment: This sequence change affects a donor splice site in intron 9 of the CSPP1 gene. It is expected to disrupt RNA splicing. Variants that disrupt the donor or acceptor splice site typically lead to a loss of protein function (PMID: 16199547), and loss-of-function variants in CSPP1 are known to be pathogenic (PMID: 24360807, 24360808). This variant is not present in population databases (gnomAD no frequency). Disruption of this splice site has been observed in individual(s) with clinical features of Joubert syndrome (Invitae). ClinVar contains an entry for this variant (Variation ID: 1705556). Algorithms developed to predict the effect of sequence changes on RNA splicing suggest that this variant may disrupt the consensus splice site. For these reasons, this variant has been classified as Pathogenic.

3billion
Classification: Likely pathogenic for Joubert syndrome 21. Last evaluated: 2022-09-01. Review status: criteria provided, single submitter. Criteria: ACMG Guidelines, 2015. Collection method: clinical testing. Allele origin: germline. Affected: yes. Observed: 1 homozygote.
Comment: The variant is not observed in the gnomAD v2.1.1 dataset. Canonical splice site is predicted to alter splicing and result in a loss or disruption of normal protein function. Multiple pathogenic loss-of-function variants are reported downstream of the variant. Therefore, this variant is classified as Likely pathogenic according to the recommendation of ACMG/AMP guideline.

Literature cited by the submitters: PubMed 16199547 (cited by Labcorp Genetics (formerly Invitae), Labcorp); PubMed 24360807 (cited by Labcorp Genetics (formerly Invitae), Labcorp); PubMed 24360808 (cited by Labcorp Genetics (formerly Invitae), Labcorp).

NM_001382391.1(CSPP1):c.1187+1G>A

Gene: CSPP1 (centrosome and spindle pole associated protein 1; plus strand). Cytogenetic location: 8q13.2.
Variant type: single nucleotide variant.
Coding change: c.1187+1G>A on transcript NM_001382391.1 (MANE Select); the canonical splice donor site of the intron after coding-DNA position 1187, G replaced by A.
Molecular consequence: splice donor variant. On other transcripts: intron variant (1).
Genome position (GRCh38, 1-based): chr8:67,112,066, G>A. VCF-style: chr8-67112066-G-A. GRCh37 (hg19) VCF-style: chr8-68024301-G-A.
Other names: c.1187+1G>A (NM_001363132.2); c.1106+1G>A (NM_001363131.2, NM_001363133.2); c.1295+1G>A (NM_001364869.1); c.1214+1G>A (NM_024790.7, NM_001438331.1, NM_001438330.1); c.1115+1G>A (NM_001364870.1); c.951-6182G>A (NM_001438332.1); c.332+1G>A (NM_001291339.2).
Identifiers: ClinVar variation 1705556 (VCV001705556.3), dbSNP rs2488871242, ClinGen allele CA371196955.